The following is an entry in ClinVar:

NM_001692.4(ATP6V1B1):c.1493A>T (p.Tyr498Phe)

Gene: ATP6V1B1 (ATPase H+ transporting V1 subunit B1; plus strand). Cytogenetic location: 2p13.3.
Variant type: single nucleotide variant.
Coding change: c.1493A>T on transcript NM_001692.4 (MANE Select); coding-DNA position 1493, A replaced by T.
Protein change: p.Tyr498Phe; replaces tyrosine 498 with phenylalanine.
Molecular consequence: missense variant.
Genome position (GRCh38, 1-based): chr2:70,965,072, A>T. VCF-style: chr2-70965072-A-T. GRCh37 (hg19) VCF-style: chr2-71192202-A-T.
Other names: short protein forms Y498F.
Identifiers: ClinVar variation 1915924 (VCV001915924.2), dbSNP rs201234802, ClinGen allele CA347190022.

ClinVar aggregate classification (germline): Uncertain significance (1 of 4 stars; one submission).

gnomAD v4.1: 19 of 1,613,238 alleles (0.0012%); highest among the groups gnomAD compares: Non-Finnish European, 0.0014%; no homozygotes.

Submission:

Labcorp Genetics (formerly Invitae), Labcorp
Classification: Uncertain significance. Last evaluated: 2021-08-31. Review status: criteria provided, single submitter. Criteria: Invitae Variant Classification Sherloc (09022015). Collection method: clinical testing. Allele origin: germline.
Comment: This sequence change replaces tyrosine with phenylalanine at codon 498 of the ATP6V1B1 protein (p.Tyr498Phe). The tyrosine residue is highly conserved and there is a small physicochemical difference between tyrosine and phenylalanine. This variant is not present in population databases (ExAC no frequency). This variant has not been reported in the literature in individuals affected with ATP6V1B1-related conditions. Algorithms developed to predict the effect of missense changes on protein structure and function are either unavailable or do not agree on the potential impact of this missense change (SIFT: "Deleterious"; PolyPhen-2: "Benign"; Align-GVGD: "Class C0"). In summary, the available evidence is currently insufficient to determine the role of this variant in disease. Therefore, it has been classified as a Variant of Uncertain Significance.